The following is an entry in ClinVar:

ClinVar aggregate classification (germline): Uncertain significance (1 of 4 stars; one submission).

gnomAD v4.1: 1 of 1,614,244 alleles (0.000062%); highest among the groups gnomAD compares: Non-Finnish European, 0.000085%; no homozygotes.

Submission:

Labcorp Genetics (formerly Invitae), Labcorp
Classification: Uncertain significance. Last evaluated: 2024-03-06. Review status: criteria provided, single submitter. Criteria: Invitae Variant Classification Sherloc (09022015). Collection method: clinical testing. Allele origin: germline.
Comment: This sequence change replaces glutamic acid, which is acidic and polar, with glycine, which is neutral and non-polar, at codon 967 of the REST protein (p.Glu967Gly). This variant is not present in population databases (gnomAD no frequency). This variant has not been reported in the literature in individuals affected with REST-related conditions. Algorithms developed to predict the effect of missense changes on protein structure and function output the following: SIFT: "Not Available"; PolyPhen-2: "Benign"; Align-GVGD: "Not Available". The glycine amino acid residue is found in multiple mammalian species, which suggests that this missense change does not adversely affect protein function. In summary, the available evidence is currently insufficient to determine the role of this variant in disease. Therefore, it has been classified as a Variant of Uncertain Significance.

NM_005612.5(REST):c.2900A>G (p.Glu967Gly)

Gene: REST (RE1 silencing transcription factor; plus strand). Cytogenetic location: 4q12.
Variant type: single nucleotide variant.
Coding change: c.2900A>G on transcript NM_005612.5 (MANE Select); coding-DNA position 2900, A replaced by G.
Protein change: p.Glu967Gly; replaces glutamic acid 967 with glycine.
Molecular consequence: missense variant.
Genome position (GRCh38, 1-based): chr4:56,931,758, A>G. VCF-style: chr4-56931758-A-G. GRCh37 (hg19) VCF-style: chr4-57797924-A-G.
Other names: c.2900A>G, p.Glu967Gly (NM_001193508.2, NM_001363453.3); short protein forms E967G.
Identifiers: ClinVar variation 3716432 (VCV003716432.2).